The following is an entry in ClinVar:

NM_001042492.3(NF1):c.1859G>T (p.Ser620Ile)

Gene: NF1 (neurofibromin 1; plus strand). Cytogenetic location: 17q11.2.
Variant type: single nucleotide variant.
Coding change: c.1859G>T on transcript NM_001042492.3 (MANE Select); coding-DNA position 1859, G replaced by T.
Protein change: p.Ser620Ile; replaces serine 620 with isoleucine.
Molecular consequence: missense variant.
Genome position (GRCh38, 1-based): chr17:31,225,108, G>T. VCF-style: chr17-31225108-G-T. GRCh37 (hg19) VCF-style: chr17-29552126-G-T.
Other names: c.1859G>T, p.Ser620Ile (NM_000267.4); short protein forms S620I.
Identifiers: ClinVar variation 5025639 (VCV005025639.1).
Genomic context (GRCh38, chr17:31,225,108, plus strand): 5'-TTGGTTGTCAGTGCTTCAGTAAAGCTTATTTATTTATTTTTTTCTAGCAGGCAGATAGAA[G>T]TTCCTGTCACTTTCTCCTTTTTTACGGGGTAGGATGTGATATTCCTTCTAGTGGAAATAC-3'
Protein context (NP_001035957.1, residues 610-630): FLLKNKQADR[Ser620Ile]SCHFLLFYGV

ClinVar aggregate classification (germline): Uncertain significance (1 of 4 stars; one submission).

Conditions:
Cardiovascular phenotype. Identifiers: MedGen CN230736.
Hereditary cancer-predisposing syndrome. Also called: Neoplastic Syndromes, Hereditary; Tumor predisposition; Hereditary neoplastic syndrome; Hereditary Cancer Syndrome. Identifiers: Orphanet 140162, MedGen C0027672, MeSH D009386, MONDO:0015356.

Submission:

Ambry Genetics
Classification: Uncertain significance for Cardiovascular phenotype; Hereditary cancer-predisposing syndrome. Last evaluated: 2026-09-04. Review status: criteria provided, single submitter. Criteria: Ambry Variant Classification Scheme 2023. Collection method: clinical testing. Allele origin: germline.
Comment: The p.S620I variant (also known as c.1859G>T), located in coding exon 17 of the NF1 gene, results from a G to T substitution at nucleotide position 1859. The serine at codon 620 is replaced by isoleucine, an amino acid with dissimilar properties. This amino acid position is highly conserved in available vertebrate species. In addition, this alteration is predicted to be tolerated by in silico analysis. Based on the available evidence, the clinical significance of this variant remains unclear.